The following is an entry in ClinVar:

NM_001379110.1(SLC9A6):c.1140A>G (p.Thr380=)

Gene: SLC9A6 (solute carrier family 9 member A6; plus strand). Cytogenetic location: Xq26.3.
Variant type: single nucleotide variant.
Coding change: c.1140A>G on transcript NM_001379110.1 (MANE Select); coding-DNA position 1140, A replaced by G.
Protein change: p.Thr380=; no amino-acid change (threonine 380 retained).
Molecular consequence: synonymous variant.
Genome position (GRCh38, 1-based): chrX:136,016,704, A>G. VCF-style: chrX-136016704-A-G. GRCh37 (hg19) VCF-style: chrX-135098863-A-G.
Other names: c.1296A>G, p.Thr432= (NM_001042537.2); c.1140A>G, p.Thr380= (NM_001177651.2); c.1044A>G, p.Thr348= (NM_001330652.2); c.1200A>G, p.Thr400= (NM_006359.3).
Identifiers: ClinVar variation 504394 (VCV000504394.2), dbSNP rs138074772, ClinGen allele CA336248536.

ClinVar aggregate classification (germline): Uncertain significance (1 of 4 stars; one submission).

Allele frequency attached by ClinVar (database versions not stated): gnomAD 0.00001; TOPMed 0.00002 and 0.00001; ESP Exome Variant Server 0.00009.
gnomAD v4.1: 1 of 1,197,540 alleles (0.000084%); highest among the groups gnomAD compares: Non-Finnish European, 0.00011%; no homozygotes.

Submission:

GeneDx
Classification: Uncertain significance. Last evaluated: 2018-02-27. Review status: criteria provided, single submitter. Criteria: GeneDx Variant Classification (06012015). Collection method: clinical testing. Allele origin: germline. Affected: yes.
Comment: The c.1200 A>G variant has not been published as a pathogenic variant, nor has it been reported as a benign variant to our knowledge. The c.1200 A>G variant is not observed in large population cohorts (Lek et al., 2016). This nucleotide change results in a synonymous amino acid substitution at a position that is not conserved. In-silico splice prediction analysis failed to predict whether or not this variant would alter gene splicing. Therefore this variant may lead to abnormal gene splicing; however, in the absence of RNA/functional studies, the actual effect of this sequence change in this individual is unknown.